The following is an entry in ClinVar:

NM_002427.4(MMP13):c.1067C>T (p.Ala356Val)

Gene: MMP13 (matrix metallopeptidase 13; minus strand). Cytogenetic location: 11q22.2.
Variant type: single nucleotide variant.
Coding change: c.1067C>T on transcript NM_002427.4 (MANE Select); coding-DNA position 1067, C replaced by T.
Protein change: p.Ala356Val; replaces alanine 356 with valine.
Molecular consequence: missense variant.
Genome position (GRCh38, 1-based): chr11:102,948,035, G>A on the plus strand (C>T on the coding strand, the complement: MMP13 is on the minus strand). VCF-style: chr11-102948035-G-A. GRCh37 (hg19) VCF-style: chr11-102818764-G-A.
Other names: c.1067C>T (NM_002427.3); short protein forms A356V.
Identifiers: ClinVar variation 1437197 (VCV001437197.9), dbSNP rs201397692, ClinGen allele CA382227567.

ClinVar aggregate classification (germline): Uncertain significance. Review status: criteria provided, multiple submitters, no conflicts (2 of 4 stars). 2 submissions from 2 submitters: Uncertain significance (2). Last evaluated 2025-04-24.

Allele frequency attached by ClinVar (database versions not stated): gnomAD 0.00002; TOPMed 0.00006.
gnomAD v4.1: 10 of 1,613,300 alleles (0.00062%); highest among the groups gnomAD compares: Admixed American, 0.0033%; no homozygotes.

Submissions (2):

Ambry Genetics
Classification: Uncertain significance. Last evaluated: 2025-04-24. Review status: criteria provided, single submitter. Criteria: Ambry Variant Classification Scheme 2023. Collection method: clinical testing. Allele origin: germline.

Labcorp Genetics (formerly Invitae), Labcorp
Classification: Uncertain significance. Last evaluated: 2022-07-25. Review status: criteria provided, single submitter. Criteria: Invitae Variant Classification Sherloc (09022015). Collection method: clinical testing. Allele origin: germline.
Comment: This sequence change replaces alanine, which is neutral and non-polar, with valine, which is neutral and non-polar, at codon 356 of the MMP13 protein (p.Ala356Val). This variant is present in population databases (no rsID available, gnomAD 0.003%). This variant has not been reported in the literature in individuals affected with MMP13-related conditions. ClinVar contains an entry for this variant (Variation ID: 1437197). Algorithms developed to predict the effect of missense changes on protein structure and function (SIFT, PolyPhen-2, Align-GVGD) all suggest that this variant is likely to be tolerated. In summary, the available evidence is currently insufficient to determine the role of this variant in disease. Therefore, it has been classified as a Variant of Uncertain Significance.